The following is an entry in ClinVar:

NM_000918.4(P4HB):c.322G>A (p.Gly108Arg)

Gene: P4HB (prolyl 4-hydroxylase subunit beta; minus strand). Cytogenetic location: 17q25.3.
Variant type: single nucleotide variant.
Coding change: c.322G>A on transcript NM_000918.4 (MANE Select); coding-DNA position 322, G replaced by A.
Protein change: p.Gly108Arg; replaces glycine 108 with arginine.
Molecular consequence: missense variant.
Genome position (GRCh38, 1-based): chr17:81,859,211, C>T on the plus strand (G>A on the coding strand, the complement: P4HB is on the minus strand). VCF-style: chr17-81859211-C-T. GRCh37 (hg19) VCF-style: chr17-79817087-C-T.
Other names: short protein forms G108R.
Identifiers: ClinVar variation 3927136 (VCV003927136.2).

ClinVar aggregate classification (germline): Uncertain significance. Review status: criteria provided, multiple submitters, no conflicts (2 of 4 stars). 2 submissions from 2 submitters: Uncertain significance (2). Last evaluated 2025-05-11.

Conditions:
Inborn genetic diseases. Identifiers: MedGen C0950123, MeSH D030342.

gnomAD v4.1: 16 of 1,613,826 alleles (0.00099%); highest among the groups gnomAD compares: African/African-American, 0.019%; no homozygotes.

Submissions (2):

Labcorp Genetics (formerly Invitae), Labcorp
Classification: Uncertain significance. Last evaluated: 2025-05-11. Review status: criteria provided, single submitter. Criteria: Invitae Variant Classification Sherloc (09022015). Collection method: clinical testing. Allele origin: germline.
Comment: This sequence change replaces glycine, which is neutral and non-polar, with arginine, which is basic and polar, at codon 108 of the P4HB protein (p.Gly108Arg). This variant is present in population databases (rs371866106, gnomAD 0.02%). This variant has not been reported in the literature in individuals affected with P4HB-related conditions. Invitae Evidence Modeling of protein sequence and biophysical properties (such as structural, functional, and spatial information, amino acid conservation, physicochemical variation, residue mobility, and thermodynamic stability) has been performed for this missense variant. However, the output from this modeling did not meet the statistical confidence thresholds required to predict the impact of this variant on P4HB protein function. In summary, the available evidence is currently insufficient to determine the role of this variant in disease. Therefore, it has been classified as a Variant of Uncertain Significance.

Ambry Genetics
Classification: Uncertain significance for Inborn genetic diseases. Last evaluated: 2025-05-05. Review status: criteria provided, single submitter. Criteria: Ambry Variant Classification Scheme 2023. Collection method: clinical testing. Allele origin: germline.